The following is an entry in ClinVar:

NM_000141.5(FGFR2):c.1831G>A (p.Ala611Thr)

Gene: FGFR2 (fibroblast growth factor receptor 2; minus strand). Cytogenetic location: 10q26.13.
Variant type: single nucleotide variant.
Coding change: c.1831G>A on transcript NM_000141.5 (MANE Select); coding-DNA position 1831, G replaced by A.
Protein change: p.Ala611Thr; replaces alanine 611 with threonine.
Molecular consequence: missense variant. On other transcripts: non-coding transcript variant (1).
Genome position (GRCh38, 1-based): chr10:121,496,564, C>T on the plus strand (G>A on the coding strand, the complement: FGFR2 is on the minus strand). VCF-style: chr10-121496564-C-T. GRCh37 (hg19) VCF-style: chr10-123256078-C-T.
Other names: c.1834G>A, p.Ala612Thr (NM_001144913.1, NM_022970.4); c.1495G>A, p.Ala499Thr (NM_001144914.1); c.1564G>A, p.Ala522Thr (NM_001144915.2, NM_023029.3); c.1486G>A, p.Ala496Thr (NM_001144916.2, NM_001441090.1); c.1483G>A, p.Ala495Thr (NM_001144917.2); c.1480G>A, p.Ala494Thr (NM_001144918.2, NM_001441091.1); c.1567G>A, p.Ala523Thr (NM_001144919.2); c.1147G>A, p.Ala383Thr (NM_001320654.2); and 4 more; short protein forms A383T, A495T, A496T, A609T, A611T, A522T, A523T, A610T.
Identifiers: ClinVar variation 5007609 (VCV005007609.2).

ClinVar aggregate classification (germline): Uncertain significance (1 of 4 stars; one submission).

Conditions:
Saethre-Chotzen syndrome (SCS). Also called: ACROCEPHALY, SKULL ASYMMETRY, AND MILD SYNDACTYLY; ACS III; CHOTZEN SYNDROME. Identifiers: Orphanet 794, MedGen C0175699, MONDO:0007042, OMIM 101400.
LADD syndrome 1 (LADD1). Also called: Lacrimoauriculodentodigital syndrome 1. Identifiers: MedGen C5774323, MONDO:0100302, OMIM 149730.
Beare-Stevenson cutis gyrata syndrome (BSTVS). Identifiers: Orphanet 1555, MedGen C1852406, MONDO:0007412, OMIM 123790.
Crouzon syndrome. Also called: Craniofacial dysostosis; Craniofacial dysostosis type 1; Crouzon craniofacial dysostosis; Crouzon disease; CRANIOFACIAL DYSOSTOSIS, TYPE I. Identifiers: Orphanet 207, MedGen C0010273, MeSH D003394, MONDO:0007405, OMIM 123500, HP:0004439.
Acrocephalosyndactyly type I (ACS1). Also called: Acrocephalo-syndactyly type 1; ACS 1; Syndactylic oxycephaly; Apert syndrome. Identifiers: Orphanet 87, MedGen C0001193, MONDO:0007041, OMIM 101200.
Gastric cancer. Also called: Stomach cancer; Malignant tumor of stomach. Identifiers: MedGen C0024623, MeSH D013274, MONDO:0001056, OMIM 613659, HP:0012126.
Bent bone dysplasia syndrome 1 (BBDS1). Also called: FGFR2-related bent bone dysplasia. Identifiers: Orphanet 313855, MedGen C3281247, MONDO:0013815, OMIM 614592.
Familial scaphocephaly syndrome, McGillivray type. Also called: SCAPHOCEPHALY, MAXILLARY RETRUSION, AND IMPAIRED INTELLECTUAL DEVELOPMENT. Identifiers: Orphanet 168624, MedGen C1865070, MONDO:0012307, OMIM 609579.
Antley-Bixler syndrome without genital anomalies or disordered steroidogenesis (ABS2). Also called: MULTISYNOSTOTIC OSTEODYSGENESIS WITH LONG BONE FRACTURES; Trapezoidocephaly synostosis syndrome; Osteodysgenesis, multisynostotic with fractures; Antley-Bixler Syndrome, Autosomal Dominant. Identifiers: Orphanet 596008, Orphanet 83, MedGen C2936791, MONDO:0020667, OMIM 207410.
Pfeiffer syndrome (ACS5). Also called: ACS V. Identifiers: Orphanet 710, MedGen C0220658, MONDO:0007043, OMIM 101600.
Jackson-Weiss syndrome (JWS). Also called: CRANIOSYNOSTOSIS, MIDFACIAL HYPOPLASIA, AND FOOT ABNORMALITIES. Identifiers: Orphanet 1540, MedGen C0795998, MONDO:0007400, OMIM 123150. Disease mechanism: loss of function.

Submission:

Juno Genomics, Hangzhou Juno Genomics, Inc
Classification: Uncertain significance for LADD syndrome 1; Familial scaphocephaly syndrome, McGillivray type; Antley-Bixler syndrome without genital anomalies or disordered steroidogenesis; Acrocephalosyndactyly type I; Beare-Stevenson cutis gyrata syndrome; Bent bone dysplasia syndrome 1; Pfeiffer syndrome; Crouzon syndrome; Gastric cancer; Jackson-Weiss syndrome; Saethre-Chotzen syndrome. Review status: criteria provided, single submitter. Criteria: ACMG Guidelines, 2015. Collection method: clinical testing. Allele origin: germline.
Comment: Absent from controls (or at extremely low frequency if recessive) in Genome Aggregation Database.;Missense variant in a gene that has a low rate of benign missense variation.;Multiple lines of computational evidence support a deleterious effect on the gene or gene product.